The following is an entry in ClinVar:

ClinVar aggregate classification (germline): Conflicting classifications of pathogenicity. Review status: criteria provided, conflicting classifications (1 of 4 stars). 4 submissions from 4 submitters: Uncertain significance (2); Likely benign (2). Last evaluated 2025-03-12.

Conditions:
Hereditary breast ovarian cancer syndrome. Also called: Breast and ovarian cancer; Hereditary breast and/or ovarian cancer syndrome; Hereditary breast and ovarian cancer; Hereditary breast and ovarian cancer syndrome (HBOC); BRCA1- and BRCA2-Associated Hereditary Breast and Ovarian Cancer; Hereditary breast and ovarian cancer syndrome. Identifiers: Orphanet 145, MedGen C0677776, MeSH D061325, MONDO:0003582. Disease mechanism: loss of function.
Hereditary cancer-predisposing syndrome. Also called: Hereditary Cancer Syndrome; Neoplastic Syndromes, Hereditary; Tumor predisposition; Hereditary neoplastic syndrome. Identifiers: Orphanet 140162, MedGen C0027672, MeSH D009386, MONDO:0015356.

gnomAD v4.1: 2 of 1,614,060 alleles (0.00012%); highest among the groups gnomAD compares: South Asian, 0.0011%; no homozygotes.

Submissions (4):

Ambry Genetics
Classification: Likely benign for Hereditary cancer-predisposing syndrome. Last evaluated: 2025-03-12. Review status: criteria provided, single submitter. Criteria: Ambry Variant Classification Scheme 2023. Collection method: clinical testing. Allele origin: germline.

Labcorp Genetics (formerly Invitae), Labcorp
Classification: Uncertain significance for Hereditary breast ovarian cancer syndrome. Last evaluated: 2023-04-08. Review status: criteria provided, single submitter. Criteria: Invitae Variant Classification Sherloc (09022015). Collection method: clinical testing. Allele origin: germline.
Comment: ClinVar contains an entry for this variant (Variation ID: 489765). Advanced modeling of protein sequence and biophysical properties (such as structural, functional, and spatial information, amino acid conservation, physicochemical variation, residue mobility, and thermodynamic stability) performed at Invitae indicates that this missense variant is not expected to disrupt BRCA2 protein function. In summary, the available evidence is currently insufficient to determine the role of this variant in disease. Therefore, it has been classified as a Variant of Uncertain Significance. This variant has not been reported in the literature in individuals affected with BRCA2-related conditions. This sequence change replaces histidine, which is basic and polar, with leucine, which is neutral and non-polar, at codon 1966 of the BRCA2 protein (p.His1966Leu). This variant is not present in population databases (gnomAD no frequency).

University of Washington Department of Laboratory Medicine, University of Washington
Classification: Likely benign for Hereditary cancer-predisposing syndrome. Last evaluated: 2023-03-23. Review status: criteria provided, single submitter. Criteria: Dines et al. (Genet Med. 2020). Collection method: curation. Allele origin: germline.
Comment: Missense variant in a coldspot region where missense variants are very unlikely to be pathogenic (PMID:31911673).

BRCA2 exon 11 coldspot. Reclassification based on statistical prior probability.

Color Diagnostics, LLC DBA Color Health
Classification: Uncertain significance for Hereditary cancer-predisposing syndrome. Last evaluated: 2019-06-27. Review status: criteria provided, single submitter. Criteria: ACMG Guidelines, 2015. Collection method: clinical testing. Allele origin: germline.

NM_000059.4(BRCA2):c.5897A>T (p.His1966Leu)

Gene: BRCA2 (BRCA2 DNA repair associated; plus strand). Cytogenetic location: 13q13.1.
Variant type: single nucleotide variant.
Coding change: c.5897A>T on transcript NM_000059.4 (MANE Select); coding-DNA position 5897, A replaced by T.
Protein change: p.His1966Leu; replaces histidine 1966 with leucine.
Molecular consequence: missense variant.
Genome position (GRCh38, 1-based): chr13:32,340,252, A>T. VCF-style: chr13-32340252-A-T. GRCh37 (hg19) VCF-style: chr13-32914389-A-T.
Other names: short protein forms H1966L.
Identifiers: ClinVar variation 489765 (VCV000489765.10), dbSNP rs80358823, ClinGen allele CA387787489.
Genomic context (GRCh38, chr13:32,340,252, plus strand): 5'-CACCTTGTGATGTTAGTTTGGAAACTTCAGATATATGTAAATGTAGTATAGGGAAGCTTC[A>T]TAAGTCAGTCTCATCTGCAAATACTTGTGGGATTTTTAGCACAGCAAGTGGAAAATCTGT-3'
Protein context (NP_000050.3, residues 1956-1976): DICKCSIGKL[His1966Leu]KSVSSANTCG